The following is an entry in ClinVar:

NM_004663.5(RAB11A):c.97C>T (p.Arg33Ter)

Gene: RAB11A (RAB11A, member RAS oncogene family; plus strand). Cytogenetic location: 15q22.31.
Variant type: single nucleotide variant.
Coding change: c.97C>T on transcript NM_004663.5 (MANE Select); coding-DNA position 97, C replaced by T.
Protein change: p.Arg33Ter; replaces arginine 33 with a stop codon.
Molecular consequence: nonsense.
Genome position (GRCh38, 1-based): chr15:65,877,388, C>T. VCF-style: chr15-65877388-C-T. GRCh37 (hg19) VCF-style: chr15-66169726-C-T.
Other names: c.97C>T, p.Arg33Ter (NM_001206836.2); short protein forms R33*.
Identifiers: ClinVar variation 1359676 (VCV001359676.6), dbSNP rs763409430, ClinGen allele CA392919924.

ClinVar aggregate classification (germline): Uncertain significance (1 of 4 stars; one submission).

Allele frequency attached by ClinVar (database versions not stated): TOPMed below 0.00001; gnomAD 0.00001.
gnomAD v4.1: 2 of 1,613,746 alleles (0.00012%); highest among the groups gnomAD compares: Non-Finnish European, 0.00017%; no homozygotes.

Submission:

Labcorp Genetics (formerly Invitae), Labcorp
Classification: Uncertain significance. Last evaluated: 2021-05-14. Review status: criteria provided, single submitter. Criteria: Invitae Variant Classification Sherloc (09022015). Collection method: clinical testing. Allele origin: germline.
Comment: In summary, the available evidence is currently insufficient to determine the role of this variant in disease. Therefore, it has been classified as a Variant of Uncertain Significance. This variant has not been reported in the literature in individuals with RAB11A-related conditions. This variant is not present in population databases (ExAC no frequency). This sequence change creates a premature translational stop signal (p.Arg33*) in the RAB11A gene. It is expected to result in an absent or disrupted protein product. However, the current clinical and genetic evidence is not sufficient to establish whether loss-of-function variants in RAB11A cause disease.